The following is an entry in ClinVar:

ClinVar aggregate classification (germline): Benign. Review status: criteria provided, multiple submitters, no conflicts (2 of 4 stars). 4 submissions from 4 submitters: Benign (3). 1 of the submissions does not count toward it. Last evaluated 2026-08-01.

Conditions:
BRD4-related disorder. Also called: BRD4-related condition.

Allele frequency attached by ClinVar (database versions not stated): gnomAD exomes 0.00039 and 0.00097; ExAC 0.00116; gnomAD 0.00381 and 0.00404; TOPMed 0.00422; 1000 Genomes Project 0.00459; ESP Exome Variant Server 0.00461; 1000 Genomes Project 30x 0.00531.
gnomAD v4.1: 1,169 of 1,614,034 alleles (0.072%); highest among the groups gnomAD compares: African/African-American, 1.4%; 18 homozygotes.

Submissions (4):

CeGaT Center for Human Genetics Tuebingen
Classification: Benign. Last evaluated: 2026-08-01. Review status: criteria provided, single submitter. Criteria: CeGaT Center For Human Genetics Tuebingen Variant Classification Criteria Version 2. Collection method: clinical testing. Allele origin: germline. Affected: yes. Observed: 3 variant alleles.
Comment: BRD4: BP4, BP7, BS1, BS2

Labcorp Genetics (formerly Invitae), Labcorp
Classification: Benign. Last evaluated: 2026-01-11. Review status: criteria provided, single submitter. Criteria: Invitae Variant Classification Sherloc (09022015). Collection method: clinical testing. Allele origin: germline.

Breakthrough Genomics
Classification: Benign. Review status: criteria provided, single submitter. Criteria: ACMG Guidelines, 2015. Collection method: not provided. Allele origin: germline. Inheritance: Unknown mechanism. Affected: yes.

PreventionGenetics, part of Exact Sciences
Classification: Benign for BRD4-related condition. Last evaluated: 2024-03-08. Review status: no assertion criteria provided. Collection method: clinical testing. Allele origin: germline. Not counted in ClinVar's aggregate classification.
Comment: This variant is classified as benign based on ACMG/AMP sequence variant interpretation guidelines (Richards et al. 2015 PMID: 25741868, with internal and published modifications).

NM_001379291.1(BRD4):c.3489G>A (p.Arg1163=)

Gene: BRD4 (bromodomain containing 4; minus strand). Cytogenetic location: 19p13.12.
Variant type: single nucleotide variant.
Coding change: c.3489G>A on transcript NM_001379291.1 (MANE Select); coding-DNA position 3489, G replaced by A.
Protein change: p.Arg1163=; no amino-acid change (arginine 1163 retained).
Molecular consequence: synonymous variant.
Genome position (GRCh38, 1-based): chr19:15,239,479, C>T on the plus strand (G>A on the coding strand, the complement: BRD4 is on the minus strand). VCF-style: chr19-15239479-C-T. GRCh37 (hg19) VCF-style: chr19-15350290-C-T.
Other names: c.3489G>A, p.Arg1163= (NM_058243.3).
Identifiers: ClinVar variation 710757 (VCV000710757.17), dbSNP rs141513213, ClinGen allele CA9264619.